The following is an entry in ClinVar:

ClinVar aggregate classification (germline): Uncertain significance (1 of 4 stars; one submission).

Submission:

Labcorp Genetics (formerly Invitae), Labcorp
Classification: Uncertain significance. Last evaluated: 2022-10-19. Review status: criteria provided, single submitter. Criteria: Invitae Variant Classification Sherloc (09022015). Collection method: clinical testing. Allele origin: germline.
Comment: This variant is not present in population databases (gnomAD no frequency). This variant has not been reported in the literature in individuals affected with UTP4-related conditions. Advanced modeling of protein sequence and biophysical properties (such as structural, functional, and spatial information, amino acid conservation, physicochemical variation, residue mobility, and thermodynamic stability) performed at Invitae indicates that this missense variant is not expected to disrupt UTP4 protein function. In summary, the available evidence is currently insufficient to determine the role of this variant in disease. Therefore, it has been classified as a Variant of Uncertain Significance. This sequence change replaces methionine, which is neutral and non-polar, with isoleucine, which is neutral and non-polar, at codon 487 of the UTP4 protein (p.Met487Ile).

NM_032830.3(UTP4):c.1461G>A (p.Met487Ile)

Gene: UTP4 (UTP4 small subunit processome component). Cytogenetic location: 16q22.1.
Variant type: single nucleotide variant.
Coding change: c.1461G>A on transcript NM_032830.3 (MANE Select); coding-DNA position 1461, G replaced by A.
Protein change: p.Met487Ile; replaces methionine 487 with isoleucine.
Molecular consequence: missense variant.
Genome position (GRCh38, 1-based): chr16:69,160,372, G>A. VCF-style: chr16-69160372-G-A. GRCh37 (hg19) VCF-style: chr16-69194275-G-A.
Other names: c.1212G>A, p.Met404Ile (NM_001318391.2); short protein forms M404I, M487I.
Identifiers: ClinVar variation 2034107 (VCV002034107.4), dbSNP rs2544417554, ClinGen allele CA396504946.